The following is an entry in ClinVar:

ClinVar aggregate classification (germline): Uncertain significance (1 of 4 stars; one submission).

Submission:

Labcorp Genetics (formerly Invitae), Labcorp
Classification: Uncertain significance. Last evaluated: 2025-12-30. Review status: criteria provided, single submitter. Criteria: Invitae Variant Classification Sherloc (09022015). Collection method: clinical testing. Allele origin: germline.
Comment: This sequence change replaces arginine, which is basic and polar, with glutamine, which is neutral and polar, at codon 273 of the CLCN2 protein (p.Arg273Gln). This variant is present in population databases (rs779315327, gnomAD 0.004%). This variant has not been reported in the literature in individuals affected with CLCN2-related conditions. Invitae Evidence Modeling of protein sequence and biophysical properties (such as structural, functional, and spatial information, amino acid conservation, physicochemical variation, residue mobility, and thermodynamic stability) indicates that this missense variant is expected to disrupt CLCN2 protein function with a positive predictive value of 80%. In summary, the available evidence is currently insufficient to determine the role of this variant in disease. Therefore, it has been classified as a Variant of Uncertain Significance.

NM_004366.6(CLCN2):c.818G>A (p.Arg273Gln)

Gene: CLCN2 (chloride voltage-gated channel 2; minus strand). Cytogenetic location: 3q27.1.
Variant type: single nucleotide variant.
Coding change: c.818G>A on transcript NM_004366.6 (MANE Select); coding-DNA position 818, G replaced by A.
Protein change: p.Arg273Gln; replaces arginine 273 with glutamine.
Molecular consequence: missense variant.
Genome position (GRCh38, 1-based): chr3:184,357,442, C>T on the plus strand (G>A on the coding strand, the complement: CLCN2 is on the minus strand). VCF-style: chr3-184357442-C-T. GRCh37 (hg19) VCF-style: chr3-184075230-C-T.
Other names: c.818G>A, p.Arg273Gln (NM_001171087.3, NM_001171089.3); c.686G>A, p.Arg229Gln (NM_001171088.3); short protein forms R273Q, R229Q.
Identifiers: ClinVar variation 4740596 (VCV004740596.1).